The following is an entry in ClinVar:

ClinVar aggregate classification (germline): Uncertain significance (1 of 4 stars; one submission).

Submission:

Ambry Genetics
Classification: Uncertain significance. Last evaluated: 2024-04-12. Review status: criteria provided, single submitter. Criteria: Ambry Variant Classification Scheme 2023. Collection method: clinical testing. Allele origin: germline.
Comment: The p.Y1226C variant (also known as c.3677A>G), located in coding exon 16 of the POLQ gene, results from an A to G substitution at nucleotide position 3677. The tyrosine at codon 1226 is replaced by cysteine, an amino acid with highly dissimilar properties. This amino acid position is conserved. In addition, this alteration is predicted to be tolerated by in silico analysis. Based on the available evidence, the clinical significance of this variant remains unclear.

NM_199420.4(POLQ):c.3677A>G (p.Tyr1226Cys)

Gene: POLQ (DNA polymerase theta; minus strand). Cytogenetic location: 3q13.33.
Variant type: single nucleotide variant.
Coding change: c.3677A>G on transcript NM_199420.4 (MANE Select); coding-DNA position 3677, A replaced by G.
Protein change: p.Tyr1226Cys; replaces tyrosine 1226 with cysteine.
Molecular consequence: missense variant.
Genome position (GRCh38, 1-based): chr3:121,489,254, T>C on the plus strand (A>G on the coding strand, the complement: POLQ is on the minus strand). VCF-style: chr3-121489254-T-C. GRCh37 (hg19) VCF-style: chr3-121208101-T-C.
Other names: short protein forms Y1226C.
Identifiers: ClinVar variation 3308524 (VCV003308524.1).